The following is an entry in ClinVar:

ClinVar aggregate classification (germline): Uncertain significance. Review status: criteria provided, multiple submitters, no conflicts (2 of 4 stars). 2 submissions from 2 submitters: Uncertain significance (2). Last evaluated 2025-12-01.

Conditions:
Inborn genetic diseases. Identifiers: MedGen C0950123, MeSH D030342.

Submissions (2):

CeGaT Center for Human Genetics Tuebingen
Classification: Uncertain significance. Last evaluated: 2025-12-01. Review status: criteria provided, single submitter. Criteria: CeGaT Center For Human Genetics Tuebingen Variant Classification Criteria Version 2. Collection method: clinical testing. Allele origin: germline. Affected: yes. Observed: 1 variant allele.
Comment: STRC: PM2

Ambry Genetics
Classification: Uncertain significance for Inborn genetic diseases. Last evaluated: 2025-03-27. Review status: criteria provided, single submitter. Criteria: Ambry Variant Classification Scheme 2023. Collection method: clinical testing. Allele origin: germline.

NM_153700.2(STRC):c.263C>T (p.Pro88Leu)

Gene: STRC (stereocilin; minus strand). Cytogenetic location: 15q15.3.
Variant type: single nucleotide variant.
Coding change: c.263C>T on transcript NM_153700.2 (MANE Select); coding-DNA position 263, C replaced by T.
Protein change: p.Pro88Leu; replaces proline 88 with leucine.
Molecular consequence: missense variant.
Genome position (GRCh38, 1-based): chr15:43,618,158, G>A on the plus strand (C>T on the coding strand, the complement: STRC is on the minus strand). VCF-style: chr15-43618158-G-A. GRCh37 (hg19) VCF-style: chr15-43910356-G-A.
Other names: short protein forms P88L.
Identifiers: ClinVar variation 3963575 (VCV003963575.6).